The following is an entry in ClinVar:

ClinVar aggregate classification (germline): Uncertain significance. Review status: criteria provided, multiple submitters, no conflicts (2 of 4 stars). 2 submissions from 2 submitters: Uncertain significance (2). Last evaluated 2023-09-25.

Conditions:
Hereditary cancer-predisposing syndrome. Also called: Tumor predisposition; Hereditary neoplastic syndrome; Neoplastic Syndromes, Hereditary; Hereditary Cancer Syndrome. Identifiers: Orphanet 140162, MedGen C0027672, MeSH D009386, MONDO:0015356.
Familial cancer of breast. Also called: hereditary breast carcinoma; Hereditary breast cancer; BREAST CANCER, FAMILIAL. Identifiers: Orphanet 227535, MedGen C0346153, MONDO:0016419, OMIM 114480. Disease mechanism: loss of function.

Submissions (2):

Labcorp Genetics (formerly Invitae), Labcorp
Classification: Uncertain significance for Familial cancer of breast. Last evaluated: 2023-09-25. Review status: criteria provided, single submitter. Criteria: Invitae Variant Classification Sherloc (09022015). Collection method: clinical testing. Allele origin: germline.
Comment: This sequence change replaces leucine, which is neutral and non-polar, with serine, which is neutral and polar, at codon 355 of the PALB2 protein (p.Leu355Ser). This variant is not present in population databases (gnomAD no frequency). In summary, the available evidence is currently insufficient to determine the role of this variant in disease. Therefore, it has been classified as a Variant of Uncertain Significance. Advanced modeling of protein sequence and biophysical properties (such as structural, functional, and spatial information, amino acid conservation, physicochemical variation, residue mobility, and thermodynamic stability) performed at Invitae indicates that this missense variant is not expected to disrupt PALB2 protein function. ClinVar contains an entry for this variant (Variation ID: 818312). This variant has not been reported in the literature in individuals affected with PALB2-related conditions.

Ambry Genetics
Classification: Uncertain significance for Hereditary cancer-predisposing syndrome. Last evaluated: 2019-07-10. Review status: criteria provided, single submitter. Criteria: Ambry Variant Classification Scheme 2023. Collection method: clinical testing. Allele origin: germline.
Comment: The p.L355S variant (also known as c.1064T>C), located in coding exon 4 of the PALB2 gene, results from a T to C substitution at nucleotide position 1064. The leucine at codon 355 is replaced by serine, an amino acid with dissimilar properties. This amino acid position is not well conserved in available vertebrate species. In addition, this alteration is predicted to be tolerated by in silico analysis. Since supporting evidence is limited at this time, the clinical significance of this alteration remains unclear.

NM_024675.4(PALB2):c.1064T>C (p.Leu355Ser)

Gene: PALB2 (partner and localizer of BRCA2; minus strand). Cytogenetic location: 16p12.2.
Variant type: single nucleotide variant.
Coding change: c.1064T>C on transcript NM_024675.4 (MANE Select); coding-DNA position 1064, T replaced by C.
Protein change: p.Leu355Ser; replaces leucine 355 with serine.
Molecular consequence: missense variant.
Genome position (GRCh38, 1-based): chr16:23,635,482, A>G on the plus strand (T>C on the coding strand, the complement: PALB2 is on the minus strand). VCF-style: chr16-23635482-A-G. GRCh37 (hg19) VCF-style: chr16-23646803-A-G.
Other names: short protein forms L355S.
Identifiers: ClinVar variation 818312 (VCV000818312.7), dbSNP rs1597097263, ClinGen allele CA395134052.
Genomic context (GRCh38, chr16:23,635,482, plus strand): 5'-AGAATCTCACTTTCCTGAAGATTTTCATTCCTGCCATCAAGAGTGTCACTGGGAGATTTT[A>G]AAGATTTCTCTGTTTGATTTTGTTCTTTTAAGTTTTGGTTTTCATTTGCTGGTAAGTTAT-3'
Protein context (NP_078951.2, residues 345-365): LKEQNQTEKS[Leu355Ser]KSPSDTLDGR